The following is an entry in ClinVar:

NM_001201543.2(FAM161A):c.549del (p.Glu184fs)

Gene: FAM161A (FAM161 centrosomal protein A; minus strand). Cytogenetic location: 2p15.
Variant type: Deletion.
Coding change: c.549del on transcript NM_001201543.2 (MANE Select); coding-DNA position 549, one base deleted (A; older notation c.549delA).
Protein change: p.Glu184fs; shifts the reading frame from glutamic acid 184.
Molecular consequence: frameshift variant. On other transcripts: non-coding transcript variant (1).
Genome position (GRCh38, 1-based): chr2:61,840,455, T deleted on the plus strand (A on the coding strand, the reverse complement: FAM161A is on the minus strand); the first of 5 consecutive T bases (chr2:61,840,455-61,840,459); deleting any one gives the same sequence. VCF-style (leftmost placement, unchanged base first): chr2-61840454-CT-C. GRCh37 (hg19) VCF-style: chr2-62067589-CT-C.
Other names: c.549del, p.Glu184fs (NM_032180.3); short protein forms E184fs.
Identifiers: ClinVar variation 1075464 (VCV001075464.8), dbSNP rs2105083646, ClinGen allele CA2499216174.

ClinVar aggregate classification (germline): Pathogenic (1 of 4 stars; one submission).

Submission:

Labcorp Genetics (formerly Invitae), Labcorp
Classification: Pathogenic. Last evaluated: 2022-07-05. Review status: criteria provided, single submitter. Criteria: Invitae Variant Classification Sherloc (09022015). Collection method: clinical testing. Allele origin: germline.
Comment: For these reasons, this variant has been classified as Pathogenic. ClinVar contains an entry for this variant (Variation ID: 1075464). This variant has not been reported in the literature in individuals affected with FAM161A-related conditions. This variant is not present in population databases (gnomAD no frequency). This sequence change creates a premature translational stop signal (p.Glu184Serfs*8) in the FAM161A gene. It is expected to result in an absent or disrupted protein product. Loss-of-function variants in FAM161A are known to be pathogenic (PMID: 20705278, 20705279, 24651477).

Literature cited by the submitters: PubMed 20705278; PubMed 20705279; PubMed 24651477.